The following is an entry in ClinVar:

ClinVar aggregate classification (germline): Uncertain significance (1 of 4 stars; one submission).

Allele frequency attached by ClinVar (database versions not stated): gnomAD exomes below 0.00001; gnomAD 0.00001; TOPMed 0.00001; 1000 Genomes Project 30x 0.00016; 1000 Genomes Project 0.00020.
gnomAD v4.1: 4 of 1,535,854 alleles (0.00026%); highest among the groups gnomAD compares: East Asian, 0.0024%; no homozygotes.

Submission:

Ambry Genetics
Classification: Uncertain significance. Last evaluated: 2023-06-29. Review status: criteria provided, single submitter. Criteria: Ambry Variant Classification Scheme 2023. Collection method: clinical testing. Allele origin: germline.
Comment: The c.2402A>G (p.N801S) alteration is located in exon (coding exon ) of the SH3RF3 gene. This alteration results from a A to G substitution at nucleotide position 2402, causing the asparagine (N) at amino acid position 801 to be replaced by a serine (S). Based on insufficient or conflicting evidence, the clinical significance of this alteration remains unclear.

NM_001099289.3(SH3RF3):c.2402A>G (p.Asn801Ser)

Genes: RANBP2 (RAN binding protein 2; plus strand), SH3RF3 (SH3 domain containing ring finger 3; plus strand). Cytogenetic location: 2q13.
Variant type: single nucleotide variant.
Coding change: c.2402A>G on transcript NM_001099289.3 (MANE Select); coding-DNA position 2402, A replaced by G.
Protein change: p.Asn801Ser; replaces asparagine 801 with serine.
Molecular consequence: missense variant.
Genome position (GRCh38, 1-based): chr2:109,490,858, A>G. VCF-style: chr2-109490858-A-G. GRCh37 (hg19) VCF-style: chr2-110107314-A-G.
Other names: short protein forms N801S.
Identifiers: ClinVar variation 2608523 (VCV002608523.2), dbSNP rs529589628, ClinGen allele CA53506474.